The following is an entry in ClinVar:

NM_000051.4(ATM):c.6700C>T (p.Leu2234=)

Genes: ATM (ATM serine/threonine kinase; plus strand), C11orf65 (chromosome 11 open reading frame 65; minus strand). Cytogenetic location: 11q22.3.
Variant type: single nucleotide variant.
Coding change: c.6700C>T on transcript NM_000051.4 (MANE Select); coding-DNA position 6700, C replaced by T.
Protein change: p.Leu2234=; no amino-acid change (leucine 2234 retained).
Molecular consequence: synonymous variant. On other transcripts: intron variant (2).
Genome position (GRCh38, 1-based): chr11:108,325,437, C>T. VCF-style: chr11-108325437-C-T. GRCh37 (hg19) VCF-style: chr11-108196164-C-T.
Other names: c.6700C>T, p.Leu2234= (NM_001351834.2); c.641-16366G>A (NM_001330368.2); c.*38+9783G>A (NM_001351110.2).
Identifiers: ClinVar variation 186856 (VCV000186856.61), dbSNP rs760602228, ClinGen allele CA196058.

ClinVar aggregate classification (germline): Benign/Likely benign. Review status: criteria provided, multiple submitters, no conflicts (2 of 4 stars). 8 submissions from 8 submitters: Benign (1); Likely benign (6). 1 of the submissions does not count toward it. Last evaluated 2026-01-26.

Conditions:
ATM-related disorder. Also called: ATM-related disorders; ATM-related condition.
Hereditary cancer-predisposing syndrome. Also called: Hereditary Cancer Syndrome; Tumor predisposition; Neoplastic Syndromes, Hereditary; Hereditary neoplastic syndrome. Identifiers: Orphanet 140162, MedGen C0027672, MeSH D009386, MONDO:0015356.
Familial cancer of breast. Also called: hereditary breast carcinoma; BREAST CANCER, FAMILIAL; Hereditary breast cancer. Identifiers: Orphanet 227535, MedGen C0346153, MONDO:0016419, OMIM 114480. Disease mechanism: loss of function.
Ataxia-telangiectasia syndrome (AT). Also called: ATAXIA-TELANGIECTASIA, COMPLEMENTATION GROUP A; ATAXIA-TELANGIECTASIA, FRESNO VARIANT; Ataxia-telangiectasia; Ataxia-telangiectasia, complementation group E; Cerebello-oculocutaneous telangiectasia; Immunodeficiency with ataxia telangiectasia. Identifiers: Orphanet 100, MedGen C0004135, MONDO:0008840, OMIM 208900.

Allele frequency attached by ClinVar (database versions not stated): gnomAD 0.00001; ExAC 0.00002; TOPMed below 0.00001; gnomAD exomes 0.00006 and 0.00001.
gnomAD v4.1: 83 of 1,613,458 alleles (0.0051%); highest among the groups gnomAD compares: Non-Finnish European, 0.0065%; no homozygotes.

Submissions (8):

Labcorp Genetics (formerly Invitae), Labcorp
Classification: Likely benign for Ataxia-telangiectasia syndrome. Last evaluated: 2026-01-26. Review status: criteria provided, single submitter. Criteria: Invitae Variant Classification Sherloc (09022015). Collection method: clinical testing. Allele origin: germline.

Myriad Genetics, Inc.
Classification: Benign for Familial cancer of breast. Last evaluated: 2024-06-10. Review status: criteria provided, single submitter. Criteria: Myriad Autosomal Dominant, Autosomal Recessive and X-Linked Classification Criteria (2023). Collection method: clinical testing. Allele origin: unknown.
Comment: This variant is considered benign. This variant is a silent/synonymous amino acid change and it is not expected to impact splicing.

ARUP Laboratories, Molecular Genetics and Genomics, ARUP Laboratories
Classification: Likely benign. Last evaluated: 2022-03-23. Review status: criteria provided, single submitter. Criteria: ARUP Molecular Germline Variant Investigation Process 2021. Collection method: clinical testing. Allele origin: germline.

GeneDx
Classification: Likely benign. Last evaluated: 2020-10-19. Review status: criteria provided, single submitter. Criteria: GeneDx Variant Classification Process June 2021. Collection method: clinical testing. Allele origin: germline. Affected: yes.

Women's Health and Genetics/Laboratory Corporation of America, LabCorp
Classification: Likely benign. Last evaluated: 2019-08-21. Review status: criteria provided, single submitter. Criteria: LabCorp Variant Classification Summary - May 2015. Collection method: clinical testing. Allele origin: germline.

Color Diagnostics, LLC DBA Color Health
Classification: Likely benign for Hereditary cancer-predisposing syndrome. Last evaluated: 2016-05-02. Review status: criteria provided, single submitter. Criteria: ACMG Guidelines, 2015. Collection method: clinical testing. Allele origin: germline.

Ambry Genetics
Classification: Likely benign for Hereditary cancer-predisposing syndrome. Last evaluated: 2014-10-24. Review status: criteria provided, single submitter. Criteria: Ambry Variant Classification Scheme 2023. Collection method: clinical testing. Allele origin: germline.

PreventionGenetics, part of Exact Sciences
Classification: Likely benign for ATM-related condition. Last evaluated: 2021-02-19. Review status: no assertion criteria provided. Collection method: clinical testing. Allele origin: germline. Not counted in ClinVar's aggregate classification.
Comment: This variant is classified as likely benign based on ACMG/AMP sequence variant interpretation guidelines (Richards et al. 2015 PMID: 25741868, with internal and published modifications).